The following is an entry in ClinVar:

NM_020975.6(RET):c.1698del (p.Asp567fs)

Gene: RET (ret proto-oncogene; plus strand). Cytogenetic location: 10q11.21.
Variant type: Deletion.
Coding change: c.1698del on transcript NM_020975.6 (MANE Select); coding-DNA position 1698, one base deleted (C; older notation c.1698delC).
Protein change: p.Asp567fs; shifts the reading frame from aspartic acid 567.
Molecular consequence: frameshift variant.
Genome position (GRCh38, 1-based): chr10:43,112,902, C deleted; the last of 4 consecutive C bases (chr10:43,112,899-43,112,902); deleting any one gives the same sequence. VCF-style (leftmost placement, unchanged base first): chr10-43112898-GC-G. GRCh37 (hg19) VCF-style: chr10-43608346-GC-G.
Other names: c.1698del, p.Asp567fs (NM_020630.7, NM_001406743.1, NM_001406744.1 and 4 more transcripts); c.1302del, p.Asp435fs (NM_001406769.1, NM_001406772.1); c.1410del, p.Asp471fs (NM_001406770.1, NM_001406766.1, NM_001406767.1); c.1260del, p.Asp421fs (NM_001406771.1, NM_001406773.1); c.1173del, p.Asp392fs (NM_001406774.1); c.972del, p.Asp325fs (NM_001406775.1, NM_001406776.1, NM_001406777.1 and 1 more transcripts); c.801del, p.Asp268fs (NM_001406779.1, NM_001406780.1, NM_001406781.1 and 3 more transcripts); c.672del, p.Asp225fs (NM_001406783.1, NM_001406786.1); and 6 more; short protein forms D172fs, D313fs, D325fs, D567fs, D392fs, D421fs, D435fs, D84fs.
Identifiers: ClinVar variation 2770994 (VCV002770994.4), dbSNP rs2538471466, ClinGen allele CA2697558313.

ClinVar aggregate classification (germline): Pathogenic. Review status: criteria provided, multiple submitters, no conflicts (2 of 4 stars). 2 submissions from 2 submitters: Pathogenic (2). Last evaluated 2026-02-09.

Conditions:
RET-related disorder. Also called: RET-related condition; RET-related disease; RET-related disorders.
Multiple endocrine neoplasia, type 2 (MEN2). Identifiers: Orphanet 653, MedGen C4048306, MONDO:0019003. Disease mechanism: gain of function.

Submissions (2):

PreventionGenetics, part of Exact Sciences
Classification: Pathogenic for RET-related condition. Last evaluated: 2026-02-09. Review status: criteria provided, single submitter. Criteria: ACMG Guidelines, 2015. Collection method: clinical testing. Allele origin: germline.
Comment: The RET c.1698delC variant is predicted to result in a frameshift and premature protein termination (p.Asp567Thrfs*71). To our knowledge, this variant has not been reported in the literature or in a large population database (gnomAD), indicating this variant is rare. Frameshift variants in RET are expected to be pathogenic. This variant is interpreted as pathogenic.

Labcorp Genetics (formerly Invitae), Labcorp
Classification: Pathogenic for Multiple endocrine neoplasia, type 2. Last evaluated: 2023-10-22. Review status: criteria provided, single submitter. Criteria: Invitae Variant Classification Sherloc (09022015). Collection method: clinical testing. Allele origin: germline.
Comment: This sequence change creates a premature translational stop signal (p.Asp567Thrfs*71) in the RET gene. It is expected to result in an absent or disrupted protein product. Loss-of-function variants in RET are known to be pathogenic (PMID: 22174939, 22648184). This variant is not present in population databases (gnomAD no frequency). This variant has not been reported in the literature in individuals affected with RET-related conditions. For these reasons, this variant has been classified as Pathogenic.

Literature cited by the submitters: PubMed 22174939 (cited by Labcorp Genetics (formerly Invitae), Labcorp); PubMed 22648184 (cited by Labcorp Genetics (formerly Invitae), Labcorp).